The following is an entry in ClinVar:

NM_000548.5(TSC2):c.4541C>T (p.Ser1514Leu)

Gene: TSC2 (TSC complex subunit 2; plus strand). Cytogenetic location: 16p13.3.
Variant type: single nucleotide variant.
Coding change: c.4541C>T on transcript NM_000548.5 (MANE Select); coding-DNA position 4541, C replaced by T.
Protein change: p.Ser1514Leu; replaces serine 1514 with leucine.
Molecular consequence: missense variant. On other transcripts: non-coding transcript variant (5).
Genome position (GRCh38, 1-based): chr16:2,084,998, C>T. VCF-style: chr16-2084998-C-T. GRCh37 (hg19) VCF-style: chr16-2134999-C-T.
Other names: c.4340C>T, p.Ser1447Leu (NM_001077183.3); c.4472C>T, p.Ser1491Leu (NM_001114382.3); c.4232C>T, p.Ser1411Leu (NM_001318827.2); c.4196C>T, p.Ser1399Leu (NM_001318829.2); c.3809C>T, p.Ser1270Leu (NM_001318831.2); c.4373C>T, p.Ser1458Leu (NM_001318832.2); c.4343C>T, p.Ser1448Leu (NM_001363528.2); c.4409C>T, p.Ser1470Leu (NM_001370404.1); and 26 more; short protein forms S1022L, S1043L, S1247L, S1291L, S1398L, S1428L, S1442L, S1477L.
Identifiers: ClinVar variation 3974683 (VCV003974683.1).

ClinVar aggregate classification (germline): Uncertain significance (1 of 4 stars; one submission).

Conditions:
Hereditary cancer-predisposing syndrome. Also called: Tumor predisposition; Hereditary neoplastic syndrome; Hereditary Cancer Syndrome; Neoplastic Syndromes, Hereditary. Identifiers: Orphanet 140162, MedGen C0027672, MeSH D009386, MONDO:0015356.

gnomAD v4.1: 1 of 1,613,234 alleles (0.000062%); highest among the groups gnomAD compares: Non-Finnish European, 0.000085%; no homozygotes.

Submission:

Ambry Genetics
Classification: Uncertain significance for Hereditary cancer-predisposing syndrome. Last evaluated: 2025-05-19. Review status: criteria provided, single submitter. Criteria: Ambry Variant Classification Scheme 2023. Collection method: clinical testing. Allele origin: germline.
Comment: The p.S1514L variant (also known as c.4541C>T), located in coding exon 34 of the TSC2 gene, results from a C to T substitution at nucleotide position 4541. The serine at codon 1514 is replaced by leucine, an amino acid with dissimilar properties. This amino acid position is conserved. In addition, this alteration is predicted to be deleterious by in silico analysis. Based on the available evidence, the clinical significance of this variant remains unclear.